The following is an entry in ClinVar:

ClinVar aggregate classification (germline): Conflicting classifications of pathogenicity. Review status: criteria provided, conflicting classifications (1 of 4 stars). 3 submissions from 3 submitters: Uncertain significance (2); Likely benign (1). Last evaluated 2025-09-17.

Conditions:
Juvenile polyposis syndrome (JPS). Identifiers: Orphanet 2929, MedGen C0345893, MONDO:0017380, OMIM 174900.
Familial thoracic aortic aneurysm and aortic dissection (TAAD). Also called: Thoracic aortic aneurysms and dissections. Identifiers: Orphanet 91387, MedGen C4707243, MONDO:0019625.
Hereditary cancer-predisposing syndrome. Also called: Tumor predisposition; Neoplastic Syndromes, Hereditary; Hereditary Cancer Syndrome; Hereditary neoplastic syndrome. Identifiers: Orphanet 140162, MedGen C0027672, MeSH D009386, MONDO:0015356.

Allele frequency attached by ClinVar (database versions not stated): gnomAD exomes below 0.00001.
gnomAD v4.1: 1 of 1,602,350 alleles (0.000062%); highest among the groups gnomAD compares: Non-Finnish European, 0.000085%; no homozygotes.

Submissions (3):

Labcorp Genetics (formerly Invitae), Labcorp
Classification: Likely benign for Juvenile polyposis syndrome. Last evaluated: 2025-09-17. Review status: criteria provided, single submitter. Criteria: Invitae Variant Classification Sherloc (09022015). Collection method: clinical testing. Allele origin: germline.

Ambry Genetics
Classification: Uncertain significance for Hereditary cancer-predisposing syndrome; Familial thoracic aortic aneurysm and aortic dissection. Last evaluated: 2023-08-16. Review status: criteria provided, single submitter. Criteria: Ambry Variant Classification Scheme 2023. Collection method: clinical testing. Allele origin: germline.
Comment: The p.H300R variant (also known as c.899A>G), located in coding exon 6 of the SMAD4 gene, results from an A to G substitution at nucleotide position 899. The histidine at codon 300 is replaced by arginine, an amino acid with highly similar properties. This amino acid position is highly conserved in available vertebrate species. In addition, this alteration is predicted to be deleterious by in silico analysis. Since supporting evidence is limited at this time, the clinical significance of this alteration remains unclear.

GeneDx
Classification: Uncertain significance. Last evaluated: 2020-07-28. Review status: criteria provided, single submitter. Criteria: GeneDx Variant Classification Process June 2021. Collection method: clinical testing. Allele origin: germline. Affected: yes.
Comment: Not observed in large population cohorts (Lek 2016); In silico analysis supports that this missense variant does not alter protein structure/function; Has not been previously published as pathogenic or benign to our knowledge

NM_005359.6(SMAD4):c.899A>G (p.His300Arg)

Gene: SMAD4 (SMAD family member 4; plus strand). Cytogenetic location: 18q21.2.
Variant type: single nucleotide variant.
Coding change: c.899A>G on transcript NM_005359.6 (MANE Select); coding-DNA position 899, A replaced by G.
Protein change: p.His300Arg; replaces histidine 300 with arginine.
Molecular consequence: missense variant.
Genome position (GRCh38, 1-based): chr18:51,058,451, A>G. VCF-style: chr18-51058451-A-G. GRCh37 (hg19) VCF-style: chr18-48584821-A-G.
Other names: short protein forms H300R.
Identifiers: ClinVar variation 405485 (VCV000405485.12), dbSNP rs1060500731, ClinGen allele CA16615835.